The following is an entry in ClinVar:

ClinVar aggregate classification (germline): Uncertain significance. Review status: criteria provided, multiple submitters, no conflicts (2 of 4 stars). 4 submissions from 4 submitters: Uncertain significance (3). 1 of the submissions does not count toward it. Last evaluated 2025-02-10.

Conditions:
Hereditary cancer-predisposing syndrome. Also called: Neoplastic Syndromes, Hereditary; Tumor predisposition; Hereditary Cancer Syndrome; Hereditary neoplastic syndrome. Identifiers: Orphanet 140162, MedGen C0027672, MeSH D009386, MONDO:0015356.
Ataxia-telangiectasia syndrome (AT). Also called: ATAXIA-TELANGIECTASIA, COMPLEMENTATION GROUP A; ATAXIA-TELANGIECTASIA, FRESNO VARIANT; Ataxia-telangiectasia; Ataxia-telangiectasia, complementation group D; AT, COMPLEMENTATION GROUP C; Ataxia-telangiectasia, complementation group E. Identifiers: Orphanet 100, MedGen C0004135, MONDO:0008840, OMIM 208900.

Allele frequency attached by ClinVar (database versions not stated): TOPMed below 0.00001; ExAC 0.00001; gnomAD 0.00001; gnomAD exomes 0.00001; ESP Exome Variant Server 0.00008.
gnomAD v4.1: 17 of 1,612,694 alleles (0.0011%); highest among the groups gnomAD compares: Admixed American, 0.0033%; no homozygotes.

Submissions (4):

Ambry Genetics
Classification: Uncertain significance for Hereditary cancer-predisposing syndrome. Last evaluated: 2025-02-10. Review status: criteria provided, single submitter. Criteria: Ambry Variant Classification Scheme 2023. Collection method: clinical testing. Allele origin: germline.
Comment: The p.G138R variant (also known as c.412G>A), located in coding exon 4 of the ATM gene, results from a G to A substitution at nucleotide position 412. The glycine at codon 138 is replaced by arginine, an amino acid with dissimilar properties. This amino acid position is well conserved in available vertebrate species. In addition, the in silico prediction for this alteration is inconclusive. Based on the available evidence, the clinical significance of this variant remains unclear.

Labcorp Genetics (formerly Invitae), Labcorp
Classification: Uncertain significance for Ataxia-telangiectasia syndrome. Last evaluated: 2025-01-22. Review status: criteria provided, single submitter. Criteria: Invitae Variant Classification Sherloc (09022015). Collection method: clinical testing. Allele origin: germline.
Comment: This sequence change replaces glycine, which is neutral and non-polar, with arginine, which is basic and polar, at codon 138 of the ATM protein (p.Gly138Arg). This variant is present in population databases (rs150661813, gnomAD 0.006%). This variant has not been reported in the literature in individuals affected with ATM-related conditions. ClinVar contains an entry for this variant (Variation ID: 524242). Invitae Evidence Modeling of protein sequence and biophysical properties (such as structural, functional, and spatial information, amino acid conservation, physicochemical variation, residue mobility, and thermodynamic stability) indicates that this missense variant is not expected to disrupt ATM protein function with a negative predictive value of 95%. In summary, the available evidence is currently insufficient to determine the role of this variant in disease. Therefore, it has been classified as a Variant of Uncertain Significance.

Color Diagnostics, LLC DBA Color Health
Classification: Uncertain significance for Hereditary cancer-predisposing syndrome. Last evaluated: 2024-03-06. Review status: criteria provided, single submitter. Criteria: ACMG Guidelines, 2015. Collection method: clinical testing. Allele origin: germline.
Comment: This missense variant replaces glycine with arginine at codon 138 of the ATM protein. Computational prediction suggests that this variant may not impact protein structure and function (internally defined REVEL score threshold <= 0.5, PMID: 27666373). To our knowledge, functional studies have not been reported for this variant. This variant has not been reported in individuals affected with hereditary cancer in the literature. This variant has been identified in 3/251314 chromosomes in the general population by the Genome Aggregation Database (gnomAD). The available evidence is insufficient to determine the role of this variant in disease conclusively. Therefore, this variant is classified as a Variant of Uncertain Significance.

Natera, Inc.
Classification: Uncertain significance for Ataxia-telangiectasia. Last evaluated: 2019-10-28. Review status: no assertion criteria provided. Collection method: clinical testing. Allele origin: germline. Not counted in ClinVar's aggregate classification.

NM_000051.4(ATM):c.412G>A (p.Gly138Arg)

Gene: ATM (ATM serine/threonine kinase; plus strand). Cytogenetic location: 11q22.3.
Variant type: single nucleotide variant.
Coding change: c.412G>A on transcript NM_000051.4 (MANE Select); coding-DNA position 412, G replaced by A.
Protein change: p.Gly138Arg; replaces glycine 138 with arginine.
Molecular consequence: missense variant.
Genome position (GRCh38, 1-based): chr11:108,235,750, G>A. VCF-style: chr11-108235750-G-A. GRCh37 (hg19) VCF-style: chr11-108106477-G-A.
Other names: c.412G>A, p.Gly138Arg (NM_001351834.2); short protein forms G138R.
Identifiers: ClinVar variation 524242 (VCV000524242.21), dbSNP rs150661813, ClinGen allele CA6264602.